The following is an entry in ClinVar:

NM_000540.3(RYR1):c.447G>T (p.Met149Ile)

Gene: RYR1 (ryanodine receptor 1; plus strand). Cytogenetic location: 19q13.2.
Variant type: single nucleotide variant.
Coding change: c.447G>T on transcript NM_000540.3 (MANE Select); coding-DNA position 447, G replaced by T.
Protein change: p.Met149Ile; replaces methionine 149 with isoleucine.
Molecular consequence: missense variant.
Genome position (GRCh38, 1-based): chr19:38,444,171, G>T. VCF-style: chr19-38444171-G-T. GRCh37 (hg19) VCF-style: chr19-38934811-G-T.
Other names: c.447G>T, p.Met149Ile (NM_001042723.2); short protein forms M149I.
Identifiers: ClinVar variation 3074194 (VCV003074194.1), dbSNP rs772652844, ClinGen allele CA066141.
Genomic context (GRCh38, chr19:38,444,171, plus strand): 5'-TCATCTGACAGCCACCCCCATTCCATCCCCACCCATAGGAGAGGCTTGCTGGTGGACCAT[G>T]CACCCAGCCTCCAAGCAGAGGTCTGAAGGAGAAAAGGTCCGCGTTGGGGATGACATCATC-3'
Protein context (NP_000531.2, residues 139-159): DATGEACWWT[Met149Ile]HPASKQRSEG

ClinVar aggregate classification (germline): Uncertain significance (1 of 4 stars; one submission).

Conditions:
Malignant hyperthermia, susceptibility to, 1 (MHS1). Also called: Anesthesia related hyperthermia; Malignant hyperpyrexia; Fulminating hyperpyrexia; Pharmacogenic myopathy; RYR1-Related Malignant Hyperthermia Susceptibility; Malignant hyperthermia suceptibility 1. Identifiers: Orphanet 423, MedGen C2930980, MONDO:0007783, OMIM 145600.

Submission:

All of Us Research Program, National Institutes of Health
Classification: Uncertain significance for Malignant hyperthermia, susceptibility to, 1. Last evaluated: 2023-11-02. Review status: criteria provided, single submitter. Criteria: ACMG Guidelines, 2015. Collection method: clinical testing. Allele origin: germline. Inheritance: Autosomal dominant inheritance. Observed: 1 variant allele, 1 heterozygote.
Comment: This missense variant replaces methionine with isoleucine at codon 149 of the RYR1 protein. Computational prediction suggests that this variant may not impact protein structure and function (internally defined REVEL score threshold <= 0.5, PMID: 27666373). To our knowledge, functional studies have not been reported for this variant. This variant has not been reported in individuals affected with RYR1-related disorders in the literature. This variant has been identified in 1/251404 chromosomes in the general population by the Genome Aggregation Database (gnomAD). The available evidence is insufficient to determine the role of this variant in disease conclusively. Therefore, this variant is classified as a Variant of Uncertain Significance.

This study involves interpretation of variants in research participants for the purpose of population health screening. Participant phenotype was not available at the time of variant classification. Additional details can be found in publication PMID: 35346344, PMCID: PMC8962531